The following is an entry in ClinVar:

ClinVar aggregate classification (germline): Uncertain significance. Review status: criteria provided, multiple submitters, no conflicts (2 of 4 stars). 7 submissions from 7 submitters: Uncertain significance (7). Last evaluated 2025-12-23.

Conditions:
MYPN-related disorder. Also called: MYPN-related condition.
MYPN-related myopathy (CMYO24). Also called: Nemaline myopathy 11, autosomal recessive. Identifiers: MedGen C4479186, MONDO:0015023, OMIM 617336.
Dilated cardiomyopathy 1KK (CMD1KK). Identifiers: Orphanet 154, Orphanet 75249, MedGen C3714995, MONDO:0014100, OMIM 615248.
Cardiovascular phenotype. Identifiers: MedGen CN230736.

Allele frequency attached by ClinVar (database versions not stated): TOPMed 0.00002; ExAC 0.00003; gnomAD exomes 0.00003 and 0.00006; gnomAD 0.00007; ESP Exome Variant Server 0.00015.
gnomAD v4.1: 57 of 1,614,126 alleles (0.0035%); highest among the groups gnomAD compares: Non-Finnish European, 0.0036%; no homozygotes.

Submissions (7):

PreventionGenetics, part of Exact Sciences
Classification: Uncertain significance for MYPN-related condition. Last evaluated: 2025-12-23. Review status: criteria provided, single submitter. Criteria: ACMG Guidelines, 2015. Collection method: clinical testing. Allele origin: germline.
Comment: The MYPN c.185A>C variant is predicted to result in the amino acid substitution p.Asp62Ala. To our knowledge, this variant has not been reported in the literature. This variant is reported in 0.028% of alleles in individuals of European (Finnish) descent in gnomAD. At this time, the clinical significance of this variant is uncertain due to the absence of conclusive functional and genetic evidence.

Mayo Clinic Laboratories, Mayo Clinic
Classification: Uncertain significance. Last evaluated: 2025-11-28. Review status: criteria provided, single submitter. Criteria: ACMG Guidelines, 2015. Collection method: clinical testing. Allele origin: germline. Observed: 2 variant alleles.

Labcorp Genetics (formerly Invitae), Labcorp
Classification: Uncertain significance for Dilated cardiomyopathy 1KK. Last evaluated: 2025-07-28. Review status: criteria provided, single submitter. Criteria: Invitae Variant Classification Sherloc (09022015). Collection method: clinical testing. Allele origin: germline.
Comment: This sequence change replaces aspartic acid, which is acidic and polar, with alanine, which is neutral and non-polar, at codon 62 of the MYPN protein (p.Asp62Ala). This variant is present in population databases (rs370768715, gnomAD 0.03%). This variant has not been reported in the literature in individuals affected with MYPN-related conditions. ClinVar contains an entry for this variant (Variation ID: 191746). An algorithm developed to predict the effect of missense changes on protein structure and function (PolyPhen-2) suggests that this variant is likely to be disruptive. In summary, the available evidence is currently insufficient to determine the role of this variant in disease. Therefore, it has been classified as a Variant of Uncertain Significance.

Ambry Genetics
Classification: Uncertain significance for Cardiovascular phenotype. Last evaluated: 2025-04-08. Review status: criteria provided, single submitter. Criteria: Ambry Variant Classification Scheme 2023. Collection method: clinical testing. Allele origin: germline.
Comment: The p.D62A variant (also known as c.185A>C), located in coding exon 1 of the MYPN gene, results from an A to C substitution at nucleotide position 185. The aspartic acid at codon 62 is replaced by alanine, an amino acid with dissimilar properties. This alteration has been reported as a secondary cardiac variant in an exome cohort (Ng D et al. Circ Cardiovasc Genet, 2013 Aug;6:337-46). This variant has also been reported in association with hypertrophic cardiomyopathy (HCM) (J&auml;&auml;skel&auml;inen P et al. ESC Heart Fail, 2019 Apr;6:436-445; Bonaventura J et al. J Am Heart Assoc, 2024 May;13:e033565). This amino acid position is highly conserved in available vertebrate species. In addition, the in silico prediction for this alteration is inconclusive. Since supporting evidence is limited at this time, the clinical significance of this alteration remains unclear.

Department of Pathology and Laboratory Medicine, Sinai Health System
Classification: Uncertain significance for Dilated cardiomyopathy 1KK; MYPN-related myopathy. Last evaluated: 2022-06-10. Review status: criteria provided, single submitter. Criteria: ACMG Guidelines, 2015. Collection method: research. Allele origin: germline.

GeneDx
Classification: Uncertain significance. Last evaluated: 2019-10-01. Review status: criteria provided, single submitter. Criteria: GeneDx Variant Classification Process June 2021. Collection method: clinical testing. Allele origin: germline. Affected: yes.
Comment: Has not been previously published as pathogenic or benign to our knowledge; Reported in ClinVar as a variant of uncertain significance by another clinical laboratory (ClinVar Variant ID# 191746; Landrum et al., 2016); In silico analysis, which includes protein predictors and evolutionary conservation, supports a deleterious effect

Biesecker Lab/Clinical Genomics Section, National Institutes of Health
Classification: Uncertain significance. Last evaluated: 2013-06-24. Review status: criteria provided, single submitter. Criteria: Ng et al. (Circ Cardiovasc Genet. 2013). Collection method: research. Allele origin: unknown. Observed: 1 variant allele. Study: ClinSeq.
Comment: The study set was not selected for affection status in relation to any cancer. Pathogenicity categories were based on literature curation. See Pubmed ID:23861362 for details.

Medical sequencing

Literature cited by the submitters: PubMed 23861362 (cited by Mayo Clinic Laboratories, Mayo Clinic and Ambry Genetics); PubMed 30775854 (cited by Mayo Clinic Laboratories, Mayo Clinic and Ambry Genetics); PubMed 38757491 (cited by Mayo Clinic Laboratories, Mayo Clinic and Ambry Genetics).

NM_032578.4(MYPN):c.185A>C (p.Asp62Ala)

Gene: MYPN (myopalladin; plus strand). Cytogenetic location: 10q21.3.
Variant type: single nucleotide variant.
Coding change: c.185A>C on transcript NM_032578.4 (MANE Select); coding-DNA position 185, A replaced by C.
Protein change: p.Asp62Ala; replaces aspartic acid 62 with alanine.
Molecular consequence: missense variant. On other transcripts: 5 prime UTR variant (1), non-coding transcript variant (1).
Genome position (GRCh38, 1-based): chr10:68,121,623, A>C. VCF-style: chr10-68121623-A-C. GRCh37 (hg19) VCF-style: chr10-69881380-A-C.
Other names: p.D62A:GAT>GCT; p.Asp62Ala; c.185A>C, p.Asp62Ala (NM_001256267.2); c.-938A>C (NM_001256268.2); short protein forms D62A.
Identifiers: ClinVar variation 191746 (VCV000191746.16), dbSNP rs370768715, ClinGen allele CA237439.